The following is an entry in ClinVar:

ClinVar aggregate classification (germline): Likely benign (1 of 4 stars; one submission).

Allele frequency attached by ClinVar (database versions not stated): ExAC 0.00002.
gnomAD v4.1: 1 of 1,605,198 alleles (0.000062%); highest among the groups gnomAD compares: Non-Finnish European, 0.000085%; no homozygotes.

Submission:

CeGaT Center for Human Genetics Tuebingen
Classification: Likely benign. Last evaluated: 2023-10-01. Review status: criteria provided, single submitter. Criteria: CeGaT Center For Human Genetics Tuebingen Variant Classification Criteria Version 2. Collection method: clinical testing. Allele origin: germline. Affected: yes. Observed: 1 variant allele.
Comment: LHX3: BP4, BP7

NM_178138.6(LHX3):c.756C>T (p.Asp252=)

Gene: LHX3 (LIM homeobox 3; minus strand). Cytogenetic location: 9q34.3.
Variant type: single nucleotide variant.
Coding change: c.756C>T on transcript NM_178138.6 (MANE Select); coding-DNA position 756, C replaced by T.
Protein change: p.Asp252=; no amino-acid change (aspartic acid 252 retained).
Molecular consequence: synonymous variant.
Genome position (GRCh38, 1-based): chr9:136,198,671, G>A on the plus strand (C>T on the coding strand, the complement: LHX3 is on the minus strand). VCF-style: chr9-136198671-G-A. GRCh37 (hg19) VCF-style: chr9-139090517-G-A.
Other names: c.723C>T, p.Asp241= (NM_001363746.1); c.771C>T, p.Asp257= (NM_014564.5).
Identifiers: ClinVar variation 2659726 (VCV002659726.24), dbSNP rs775082501, ClinGen allele CA5330389.